The following is an entry in ClinVar:

ClinVar aggregate classification (germline): Uncertain significance (1 of 4 stars; one submission).

Allele frequency attached by ClinVar (database versions not stated): gnomAD exomes below 0.00001 and 0.00001; ExAC 0.00001.

Submission:

Labcorp Genetics (formerly Invitae), Labcorp
Classification: Uncertain significance. Last evaluated: 2021-07-08. Review status: criteria provided, single submitter. Criteria: Invitae Variant Classification Sherloc (09022015). Collection method: clinical testing. Allele origin: germline.
Comment: The frequency data for this variant in the population databases is considered unreliable, as metrics indicate poor data quality at this position in the ExAC database. This sequence change replaces arginine with lysine at codon 374 of the MME protein (p.Arg374Lys). The arginine residue is highly conserved and there is a small physicochemical difference between arginine and lysine. This variant has not been reported in the literature in individuals affected with MME-related conditions. Algorithms developed to predict the effect of missense changes on protein structure and function (SIFT, PolyPhen-2, Align-GVGD) all suggest that this variant is likely to be disruptive. In summary, the available evidence is currently insufficient to determine the role of this variant in disease. Therefore, it has been classified as a Variant of Uncertain Significance.

NM_007289.4(MME):c.1121G>A (p.Arg374Lys)

Gene: MME (membrane metalloendopeptidase; plus strand). Cytogenetic location: 3q25.2.
Variant type: single nucleotide variant.
Coding change: c.1121G>A on transcript NM_007289.4 (MANE Select); coding-DNA position 1121, G replaced by A.
Protein change: p.Arg374Lys; replaces arginine 374 with lysine.
Molecular consequence: missense variant.
Genome position (GRCh38, 1-based): chr3:155,142,263, G>A. VCF-style: chr3-155142263-G-A. GRCh37 (hg19) VCF-style: chr3-154860052-G-A.
Other names: c.1121G>A, p.Arg374Lys (NM_000902.5, NM_001354642.2, NM_001354643.1 and 2 more transcripts); short protein forms R374K.
Identifiers: ClinVar variation 1434840 (VCV001434840.8), dbSNP rs753114582, ClinGen allele CA2675396.